The following is an entry in ClinVar:

NM_001377137.1(GBF1):c.2426G>A (p.Arg809His)

Gene: GBF1 (golgi brefeldin A resistant guanine nucleotide exchange factor 1; plus strand). Cytogenetic location: 10q24.32.
Variant type: single nucleotide variant.
Coding change: c.2426G>A on transcript NM_001377137.1 (MANE Select); coding-DNA position 2426, G replaced by A.
Protein change: p.Arg809His; replaces arginine 809 with histidine.
Molecular consequence: missense variant. On other transcripts: non-coding transcript variant (5).
Genome position (GRCh38, 1-based): chr10:102,366,499, G>A. VCF-style: chr10-102366499-G-A. GRCh37 (hg19) VCF-style: chr10-104126256-G-A.
Other names: p.Arg808His; c.2426G>A, p.Arg809His (NM_001199378.2, NM_001391923.1); c.2423G>A, p.Arg808His (NM_001199379.2, NM_001377141.1, NM_001391924.1 and 4 more transcripts); c.2387G>A, p.Arg796His (NM_001377138.1, NM_001391925.1); c.2129G>A, p.Arg710His (NM_001377139.1, NM_001377140.1); c.2522G>A, p.Arg841His (NM_001391922.1, NM_001411027.1); c.2390G>A, p.Arg797His (NM_001391926.1); c.2282G>A, p.Arg761His (NM_001391928.1); and 2 more; short protein forms R761H, R808H, R682H, R710H, R796H, R809H, R797H, R833H.
Identifiers: ClinVar variation 3098853 (VCV003098853.16), dbSNP rs143973197, ClinGen allele CA5663511.

ClinVar aggregate classification (germline): Likely benign. Review status: criteria provided, multiple submitters, no conflicts (2 of 4 stars). 3 submissions from 3 submitters: Likely benign (3). Last evaluated 2025-04-01.

Allele frequency attached by ClinVar (database versions not stated): 1000 Genomes Project 30x 0.00031; gnomAD 0.00036; 1000 Genomes Project 0.00040; TOPMed 0.00040; ExAC 0.00041; ESP Exome Variant Server 0.00062; gnomAD exomes 0.00071.
gnomAD v4.1: 1,072 of 1,613,612 alleles (0.066%); highest among the groups gnomAD compares: Non-Finnish European, 0.087%; no homozygotes.

Submissions (3):

CeGaT Center for Human Genetics Tuebingen
Classification: Likely benign. Last evaluated: 2025-04-01. Review status: criteria provided, single submitter. Criteria: CeGaT Center For Human Genetics Tuebingen Variant Classification Criteria Version 2. Collection method: clinical testing. Allele origin: germline. Affected: yes. Observed: 3 variant alleles.
Comment: GBF1: BP4, BS2

Mayo Clinic Laboratories, Mayo Clinic
Classification: Likely benign. Last evaluated: 2024-11-04. Review status: criteria provided, single submitter. Criteria: ACMG Guidelines, 2015. Collection method: clinical testing. Allele origin: germline. Observed: 3 variant alleles.
Comment: BS2, BP4

Ambry Genetics
Classification: Likely benign. Last evaluated: 2022-11-17. Review status: criteria provided, single submitter. Criteria: Ambry Variant Classification Scheme 2023. Collection method: clinical testing. Allele origin: germline.